The following is an entry in ClinVar:

NM_023110.3(FGFR1):c.1673del (p.Tyr558fs)

Gene: FGFR1 (fibroblast growth factor receptor 1; minus strand). Cytogenetic location: 8p11.23.
Variant type: Deletion.
Coding change: c.1673del on transcript NM_023110.3 (MANE Select); coding-DNA position 1673, one base deleted (A; older notation c.1673delA).
Protein change: p.Tyr558fs; shifts the reading frame from tyrosine 558.
Molecular consequence: frameshift variant.
Genome position (GRCh38, 1-based): chr8:38,416,051, T deleted on the plus strand (A on the coding strand, the reverse complement: FGFR1 is on the minus strand). VCF-style (leftmost placement, unchanged base first): chr8-38416050-AT-A. GRCh37 (hg19) VCF-style: chr8-38273568-AT-A.
Other names: c.1643del, p.Tyr548fs (NM_001174064.2); c.1667del, p.Tyr556fs (NM_001174065.2, NM_001354367.2, NM_015850.4 and 1 more transcripts); c.1406del, p.Tyr469fs (NM_001174066.2, NM_023105.3); c.1766del, p.Tyr589fs (NM_001174067.2); c.1394del, p.Tyr465fs (NM_001354368.2); c.1661del, p.Tyr554fs (NM_001354369.2, NM_001410922.1); c.1400del, p.Tyr467fs (NM_001354370.2, NM_023106.3); c.1673delA, p.Tyr558Leufs (NM_023110.2, NM_000604.2); short protein forms Y465fs, Y467fs, Y469fs, Y548fs, Y554fs, Y556fs, Y558fs, Y589fs.
Identifiers: ClinVar variation 2505393 (VCV002505393.1), dbSNP rs2536855900, ClinGen allele CA2580614541.

ClinVar aggregate classification (germline): Pathogenic (1 of 4 stars; one submission).

Conditions:
Hypogonadotropic hypogonadism 2 with or without anosmia (HH2). Also called: FGFR1-Related GnRH Deficiency (Kallmann Syndrome 2); HYPOGONADOTROPIC HYPOGONADISM 2 WITHOUT ANOSMIA; HYPOGONADOTROPIC HYPOGONADISM 2 WITH OR WITHOUT ANOSMIA, SUSCEPTIBILITY TO; HYPOGONADOTROPIC HYPOGONADISM 2 WITHOUT ANOSMIA, SUSCEPTIBILITY TO. Identifiers: Orphanet 478, MedGen C1563720, MONDO:0007844, OMIM 147950. Disease mechanism: loss of function.

Submission:

Reproductive Endocrine Unit, Massachusetts General Hospital
Classification: Pathogenic for Hypogonadotropic hypogonadism 2 with or without anosmia. Last evaluated: 2023-05-04. Review status: criteria provided, single submitter. Criteria: ACMG Guidelines, 2015. Collection method: research. Allele origin: unknown. Affected: yes. Observed: 1 variant allele.
Comment: The variant NM_023110.2:c.1673del, p.(Tyr558Leufs*74) het has been classified as P1c based on the variant meeting the following ACMG Criteria: PVS1,PM2,PP3.